The following is an entry in ClinVar:

NM_080425.4(GNAS):c.1260_1322del (p.Phe425_Ala445del)

Gene: GNAS (GNAS complex locus; plus strand). Cytogenetic location: 20q13.32.
Variant type: Deletion.
Coding change: c.1260_1322del on transcript NM_080425.4 (MANE Plus Clinical); coding-DNA positions 1260 to 1322, 63 bases deleted.
Protein change: p.Phe425_Ala445del.
Molecular consequence: inframe deletion. On other transcripts: intron variant (3).
Genome position (GRCh38, 1-based): chr20:58,854,525-58,854,587, 63 bases deleted. GRCh37 (hg19): chr20:57,429,580-57,429,642.
Other names: c.1073_1135del, p.Leu358_Ile378del (NM_001077490.3, NM_001309883.1); c.1260_1322del, p.Phe425_Ala445del (NM_001410913.1); c.*42+13639_*42+13701del (NM_016592.5); c.43+13639_43+13701del (NM_001410912.1); c.-39+12650_-39+12712del (NM_001309861.2).
Identifiers: ClinVar variation 4884155 (VCV004884155.2).

ClinVar aggregate classification (germline): Uncertain significance (1 of 4 stars; one submission).

Submission:

Dasa
Classification: Uncertain significance. Last evaluated: 2025-11-12. Review status: criteria provided, single submitter. Criteria: DASA Assertion Criteria. Collection method: clinical testing. Allele origin: germline.
Comment: NM_001077490.3(GNAS):c.1073_1135del (p.Leu358_Ile378del) is an in-frame deletion predicted to remove amino acids from leucine at protein position 358 through isoleucine at protein position 378 without shifting the reading frame. This variant is absent from population databases. The currently available literature and clinical evidence are not sufficient to establish a definitive association between this variant and the reported condition. Therefore, this variant is classified as a variant of uncertain significance.